The following is an entry in ClinVar:

ClinVar aggregate classification (germline): Uncertain significance (1 of 4 stars; one submission).

Conditions:
Kufor-Rakeb syndrome (KRS). Also called: PARKINSON DISEASE 9, AUTOSOMAL RECESSIVE, JUVENILE-ONSET. Identifiers: Orphanet 306674, Orphanet 314632, MedGen C1847640, MONDO:0011706, OMIM 606693.
Autosomal recessive spastic paraplegia type 78. Identifiers: Orphanet 513436, MedGen C5567893, MONDO:0014975, OMIM 617225.

Submission:

Labcorp Genetics (formerly Invitae), Labcorp
Classification: Uncertain significance for Kufor-Rakeb syndrome; Autosomal recessive spastic paraplegia type 78. Last evaluated: 2022-08-13. Review status: criteria provided, single submitter. Criteria: Invitae Variant Classification Sherloc (09022015). Collection method: clinical testing. Allele origin: germline.
Comment: In summary, the available evidence is currently insufficient to determine the role of this variant in disease. Therefore, it has been classified as a Variant of Uncertain Significance. Advanced modeling of protein sequence and biophysical properties (such as structural, functional, and spatial information, amino acid conservation, physicochemical variation, residue mobility, and thermodynamic stability) performed at Invitae indicates that this missense variant is not expected to disrupt ATP13A2 protein function. This variant has not been reported in the literature in individuals affected with ATP13A2-related conditions. This variant is not present in population databases (gnomAD no frequency). This sequence change replaces threonine, which is neutral and polar, with serine, which is neutral and polar, at codon 956 of the ATP13A2 protein (p.Thr956Ser).

NM_022089.4(ATP13A2):c.2867C>G (p.Thr956Ser)

Gene: ATP13A2 (ATPase cation transporting 13A2; minus strand). Cytogenetic location: 1p36.13.
Variant type: single nucleotide variant.
Coding change: c.2867C>G on transcript NM_022089.4 (MANE Select); coding-DNA position 2867, C replaced by G.
Protein change: p.Thr956Ser; replaces threonine 956 with serine.
Molecular consequence: missense variant.
Genome position (GRCh38, 1-based): chr1:16,987,262, G>C on the plus strand (C>G on the coding strand, the complement: ATP13A2 is on the minus strand). VCF-style: chr1-16987262-G-C. GRCh37 (hg19) VCF-style: chr1-17313757-G-C.
Other names: c.2852C>G, p.Thr951Ser (NM_001141973.3); c.2735C>G, p.Thr912Ser (NM_001141974.3); short protein forms T912S, T956S, T951S.
Identifiers: ClinVar variation 2140596 (VCV002140596.4), dbSNP rs752784549, ClinGen allele CA338235923.
Genomic context (GRCh38, chr1:16,987,262, plus strand): 5'-ACTGCCACTGTGGTGGTGATGACCAGGTCGATGGCCAGGAACTGCAGGTCACCCAGGTTG[G>C]TGTTGATCTGCCACAGGGAAGGGAGGACAGAGGGGAAACTAAGACCTGGCCCTGGCAGCC-3'
Protein context (NP_071372.1, residues 946-966): ISVLILYTIN[Thr956Ser]NLGDLQFLAI